The following is an entry in ClinVar:

NM_006348.5(COG5):c.2376-1G>A

Gene: COG5 (component of oligomeric golgi complex 5; minus strand). Cytogenetic location: 7q22.3.
Variant type: single nucleotide variant.
Coding change: c.2376-1G>A on transcript NM_006348.5 (MANE Select); the canonical splice acceptor site of the intron before coding-DNA position 2376, G replaced by A.
Molecular consequence: splice acceptor variant.
Genome position (GRCh38, 1-based): chr7:107,203,631, C>T on the plus strand (G>A on the coding strand, the complement: COG5 is on the minus strand). VCF-style: chr7-107203631-C-T. GRCh37 (hg19) VCF-style: chr7-106844076-C-T.
Other names: c.1662-1G>A (NM_001379516.1); c.1806-1G>A (NM_001379515.1); c.2214-1G>A (NM_001379511.1); c.2202-1G>A (NM_001379512.1); c.2313-1G>A (NM_181733.4); c.2061-1G>A (NM_001379514.1); c.2169-1G>A (NM_001379513.1).
Identifiers: ClinVar variation 3382823 (VCV003382823.3).
Genomic context (GRCh38, chr7:107,203,631, plus strand): 5'-GGTGCAAATTCTTTGCCTTCTCTACTTCTCACTGATTGAACATAAGCTTCCAGGGCTCCC[C>T]TGAAAACCAAAATGAAAACAATGTCAAAATATTAGATAAATCACATAAAACAGTTAAGGG-3'

ClinVar aggregate classification (germline): Uncertain significance (1 of 4 stars; one submission).

Conditions:
COG5-congenital disorder of glycosylation. Also called: CDG IIi; CONGENITAL DISORDER OF GLYCOSYLATION, TYPE IIi; COG5-CDG. Identifiers: Orphanet 263487, MedGen C3150876, MONDO:0013325, OMIM 613612.

Submission:

Juno Genomics, Hangzhou Juno Genomics, Inc
Classification: Uncertain significance for COG5-congenital disorder of glycosylation. Review status: criteria provided, single submitter. Criteria: ACMG Guidelines, 2015. Collection method: clinical testing. Allele origin: germline. Affected: yes.
Comment: Absent from controls (or at extremely low frequency if recessive) in Genome Aggregation Database, Exome Sequencing Project, 1000 Genomes Project, or Exome Aggregation Consortium.;Null variant in a gene where loss of function (LOF) is a known mechanism of disease.